The following is an entry in ClinVar:

ClinVar aggregate classification (germline): Uncertain significance (1 of 4 stars; one submission).

Conditions:
Malignant hyperthermia, susceptibility to, 5 (MHS5). Also called: CACNA1S-Related Malignant Hyperthermia Susceptibility. Identifiers: Orphanet 423, MedGen C1866077, MONDO:0011163, OMIM 601887.

Submission:

Color Diagnostics, LLC DBA Color Health
Classification: Uncertain significance for Malignant hyperthermia, susceptibility to, 5. Last evaluated: 2025-08-11. Review status: criteria provided, single submitter. Criteria: ACMG Guidelines, 2015. Collection method: clinical testing. Allele origin: germline.
Comment: This variant changes 1 nucleotide in exon 41 of the CACNA1S gene, creating a premature translation stop signal. This variant is expected to result in an absent or non-functional protein product. To our knowledge, this variant has not been reported in individuals affected with CACNA1S-related disorders in the literature. This variant has not been identified in the general population by the Genome Aggregation Database (gnomAD). Loss of CACNA1S function due to haploinsufficiency is not an established disease mechanism for autosomal dominant malignant hyperthermia susceptibility. Due to insufficient evidence, this variant is classified as a Variant of Uncertain Significance for autosomal dominant malignant hyperthermia.

NM_000069.3(CACNA1S):c.5124C>A (p.Cys1708Ter)

Gene: CACNA1S (calcium voltage-gated channel subunit alpha1 S; minus strand). Cytogenetic location: 1q32.1.
Variant type: single nucleotide variant.
Coding change: c.5124C>A on transcript NM_000069.3 (MANE Select); coding-DNA position 5124, C replaced by A.
Protein change: p.Cys1708Ter; replaces cysteine 1708 with a stop codon.
Molecular consequence: nonsense.
Genome position (GRCh38, 1-based): chr1:201,041,514, G>T on the plus strand (C>A on the coding strand, the complement: CACNA1S is on the minus strand). VCF-style: chr1-201041514-G-T. GRCh37 (hg19) VCF-style: chr1-201010642-G-T.
Other names: short protein forms C1708*.
Identifiers: ClinVar variation 4756247 (VCV004756247.1).